The following is an entry in ClinVar:

ClinVar aggregate classification (germline): Uncertain significance. Review status: criteria provided, multiple submitters, no conflicts (2 of 4 stars). 2 submissions from 2 submitters: Uncertain significance (2). Last evaluated 2025-12-10.

Conditions:
Dyskeratosis congenita, autosomal dominant 2. Identifiers: MedGen C3151443, MONDO:0013521, OMIM 613989.
Idiopathic Pulmonary Fibrosis. Also called: Idiopathic fibrosing alveolitis, chronic form; idiopathic fibrosing alveolitis. Identifiers: Orphanet 2032, MedGen C1800706, MeSH D054990, MONDO:0800504.
Dyskeratosis congenita. Identifiers: Orphanet 1775, MedGen C0265965, MONDO:0015780.

Allele frequency attached by ClinVar (database versions not stated): ExAC 0.00001.
gnomAD v4.1: 1 of 1,614,062 alleles (0.000062%); highest among the groups gnomAD compares: Non-Finnish European, 0.000085%; no homozygotes.

Submissions (2):

Ambry Genetics
Classification: Uncertain significance for Dyskeratosis congenita. Last evaluated: 2025-12-10. Review status: criteria provided, single submitter. Criteria: Ambry Variant Classification Scheme 2023. Collection method: clinical testing. Allele origin: germline.
Comment: The p.S550R variant (also known as c.1650T>A), located in coding exon 3 of the TERT gene, results from a T to A substitution at nucleotide position 1650. The serine at codon 550 is replaced by arginine, an amino acid with dissimilar properties. This amino acid position is conserved. In addition, this alteration is predicted to be tolerated by in silico analysis. Based on the available evidence, the clinical significance of this variant remains unclear.

Labcorp Genetics (formerly Invitae), Labcorp
Classification: Uncertain significance for Dyskeratosis congenita, autosomal dominant 2; Idiopathic Pulmonary Fibrosis. Last evaluated: 2022-02-21. Review status: criteria provided, single submitter. Criteria: Invitae Variant Classification Sherloc (09022015). Collection method: clinical testing. Allele origin: germline.
Comment: This variant is present in population databases (rs778896667, gnomAD 0.0009%). This sequence change replaces serine, which is neutral and polar, with arginine, which is basic and polar, at codon 550 of the TERT protein (p.Ser550Arg). This variant has not been reported in the literature in individuals affected with TERT-related conditions. In summary, the available evidence is currently insufficient to determine the role of this variant in disease. Therefore, it has been classified as a Variant of Uncertain Significance. Advanced modeling of protein sequence and biophysical properties (such as structural, functional, and spatial information, amino acid conservation, physicochemical variation, residue mobility, and thermodynamic stability) performed at Invitae indicates that this missense variant is not expected to disrupt TERT protein function.

NM_198253.3(TERT):c.1650T>A (p.Ser550Arg)

Gene: TERT (telomerase reverse transcriptase; minus strand). Cytogenetic location: 5p15.33.
Variant type: single nucleotide variant.
Coding change: c.1650T>A on transcript NM_198253.3 (MANE Select); coding-DNA position 1650, T replaced by A.
Protein change: p.Ser550Arg; replaces serine 550 with arginine.
Molecular consequence: missense variant. On other transcripts: non-coding transcript variant (2).
Genome position (GRCh38, 1-based): chr5:1,282,548, A>T on the plus strand (T>A on the coding strand, the complement: TERT is on the minus strand). VCF-style: chr5-1282548-A-T. GRCh37 (hg19) VCF-style: chr5-1282663-A-T.
Other names: c.1650T>A, p.Ser550Arg (NM_001193376.3, NM_003219.1); short protein forms S550R.
Identifiers: ClinVar variation 2079993 (VCV002079993.5), dbSNP rs778896667, ClinGen allele CA3184790.